The following is an entry in ClinVar:

ClinVar aggregate classification (germline): Uncertain significance (1 of 4 stars; one submission).

Conditions:
Shwachman-Diamond syndrome 2. Identifiers: MedGen C4693704, MONDO:0044205, OMIM 617941.

Submission:

Baylor Genetics
Classification: Uncertain significance for Shwachman-Diamond syndrome 2. Last evaluated: 2020-06-08. Review status: criteria provided, single submitter. Criteria: ACMG Guidelines, 2015. Collection method: clinical testing. Allele origin: unknown. Affected: yes.
Comment: This variant was determined to be of uncertain significance according to ACMG Guidelines, 2015 [PMID:25741868].

NM_024580.6(EFL1):c.2866C>A (p.Pro956Thr)

Gene: EFL1 (elongation factor like GTPase 1; minus strand). Cytogenetic location: 15q25.2.
Variant type: single nucleotide variant.
Coding change: c.2866C>A on transcript NM_024580.6 (MANE Select); coding-DNA position 2866, C replaced by A.
Protein change: p.Pro956Thr; replaces proline 956 with threonine.
Molecular consequence: missense variant. On other transcripts: non-coding transcript variant (1).
Genome position (GRCh38, 1-based): chr15:82,151,588, G>T on the plus strand (C>A on the coding strand, the complement: EFL1 is on the minus strand). VCF-style: chr15-82151588-G-T. GRCh37 (hg19) VCF-style: chr15-82443929-G-T.
Other names: c.2713C>A, p.Pro905Thr (NM_001040610.3); c.2077C>A, p.Pro693Thr (NM_001322844.2); c.2866C>A, p.Pro956Thr (NM_001322845.2); short protein forms P956T, P693T, P905T.
Identifiers: ClinVar variation 1028316 (VCV001028316.1), dbSNP rs1457781093, ClinGen allele CA393286070.
Genomic context (GRCh38, chr15:82,151,588, plus strand): 5'-TCACTTGCAGTGCATAGCGACATGCTTCTTTCATGGTGGCAATTAGCTGTCCTGAGAAAG[G>T]TCCATAGCAGTCAGTGAGTGGAGATTCTCCTTTCTGTGATGTCCTCTTCTCAAAGGCCTC-3'
Protein context (NP_078856.4, residues 946-966): GESPLTDCYG[Pro956Thr]FSGQLIATMK